The following is an entry in ClinVar:

ClinVar aggregate classification (germline): Uncertain significance (1 of 4 stars; one submission).

Allele frequency attached by ClinVar (database versions not stated): gnomAD exomes 0.00001; gnomAD 0.00002; TOPMed 0.00002.

Submission:

Labcorp Genetics (formerly Invitae), Labcorp
Classification: Uncertain significance. Last evaluated: 2022-06-21. Review status: criteria provided, single submitter. Criteria: Invitae Variant Classification Sherloc (09022015). Collection method: clinical testing. Allele origin: germline.
Comment: In summary, the available evidence is currently insufficient to determine the role of this variant in disease. Therefore, it has been classified as a Variant of Uncertain Significance. Algorithms developed to predict the effect of missense changes on protein structure and function output the following: SIFT: "Tolerated"; PolyPhen-2: "Benign"; Align-GVGD: "Class C0". The serine amino acid residue is found in multiple mammalian species, which suggests that this missense change does not adversely affect protein function. This variant has not been reported in the literature in individuals affected with RELA-related conditions. This variant is present in population databases (no rsID available, gnomAD 0.002%). This sequence change replaces proline, which is neutral and non-polar, with serine, which is neutral and polar, at codon 415 of the RELA protein (p.Pro415Ser).

NM_021975.4(RELA):c.1243C>T (p.Pro415Ser)

Gene: RELA (RELA proto-oncogene, NF-kB subunit; minus strand). Cytogenetic location: 11q13.1.
Variant type: single nucleotide variant.
Coding change: c.1243C>T on transcript NM_021975.4 (MANE Select); coding-DNA position 1243, C replaced by T.
Protein change: p.Pro415Ser; replaces proline 415 with serine.
Molecular consequence: missense variant. On other transcripts: intron variant (1).
Genome position (GRCh38, 1-based): chr11:65,654,791, G>A on the plus strand (C>T on the coding strand, the complement: RELA is on the minus strand). VCF-style: chr11-65654791-G-A. GRCh37 (hg19) VCF-style: chr11-65422262-G-A.
Other names: c.1234C>T, p.Pro412Ser (NM_001145138.2); c.1036C>T, p.Pro346Ser (NM_001243984.2); c.1276C>T, p.Pro426Ser (NM_001404657.1); c.1216C>T, p.Pro406Ser (NM_001404658.1); c.1030C>T, p.Pro344Ser (NM_001404659.1); c.925C>T, p.Pro309Ser (NM_001404660.1); c.862C>T, p.Pro288Ser (NM_001404661.1); c.1150C>T, p.Pro384Ser (NM_001404662.1, NM_001404663.1); and 1 more; short protein forms P384S, P415S, P426S, P288S, P344S, P412S, P309S, P346S.
Identifiers: ClinVar variation 1906329 (VCV001906329.4), dbSNP rs1186645003, ClinGen allele CA381387620.